The following is an entry in ClinVar:

NM_001009944.3(PKD1):c.11966G>A (p.Gly3989Asp)

Gene: PKD1 (polycystin 1, transient receptor potential channel interacting; minus strand). Cytogenetic location: 16p13.3.
Variant type: single nucleotide variant.
Coding change: c.11966G>A on transcript NM_001009944.3 (MANE Select); coding-DNA position 11966, G replaced by A.
Protein change: p.Gly3989Asp; replaces glycine 3989 with aspartic acid.
Molecular consequence: missense variant.
Genome position (GRCh38, 1-based): chr16:2,090,921, C>T on the plus strand (G>A on the coding strand, the complement: PKD1 is on the minus strand). VCF-style: chr16-2090921-C-T. GRCh37 (hg19) VCF-style: chr16-2140922-C-T.
Other names: c.11963G>A, p.Gly3988Asp (NM_000296.4); short protein forms G3988D, G3989D.
Identifiers: ClinVar variation 4985339 (VCV004985339.1).
Genomic context (GRCh38, chr16:2,090,921, plus strand): 5'-GCGCCCACCGGCCCAGCCCTCACCTTGACCAAAAGCAGGAAGAGCAGCGAGGCCGCCAGG[C>T]CACGGGCTGCGGAGCTCAGCTGCGCCACCTGGTCGAAGCTAGTGAAGCGGCGCGGGCGGC-3'
Protein context (NP_001009944.3, residues 3979-3999): QVAQLSSAAR[Gly3989Asp]LAASLLFLLL

ClinVar aggregate classification (germline): Uncertain significance (1 of 4 stars; one submission).

Conditions:
PKD1-related disorder. Also called: PKD1-related condition.

gnomAD v4.1: 1 of 1,585,348 alleles (0.000063%); highest among the groups gnomAD compares: East Asian, 0.0023%; no homozygotes.

Submission:

PreventionGenetics, part of Exact Sciences
Classification: Uncertain significance for PKD1-related condition. Last evaluated: 2026-07-13. Review status: criteria provided, single submitter. Criteria: ACMG Guidelines, 2015. Collection method: clinical testing. Allele origin: germline.
Comment: The PKD1 c.11966G>A variant is predicted to result in the amino acid substitution p.Gly3989Asp. To our knowledge, this variant has not been reported in the literature or in a large population database (gnomAD), indicating this variant is rare. At this time, the clinical significance of this variant is uncertain due to the absence of conclusive functional and genetic evidence.